The following is an entry in ClinVar:

ClinVar aggregate classification (germline): Uncertain significance (1 of 4 stars; one submission).

Conditions:
Retinoblastoma (RB1). Also called: RETINOBLASTOMA, SOMATIC. Identifiers: Orphanet 790, MedGen C0035335, MeSH D012175, MONDO:0008380, OMIM 180200, HP:0009919. Disease mechanism: loss of function. Inheritance: Both sporadic and heritable forms are tested..

Submission:

Labcorp Genetics (formerly Invitae), Labcorp
Classification: Uncertain significance for Retinoblastoma. Last evaluated: 2023-09-03. Review status: criteria provided, single submitter. Criteria: Invitae Variant Classification Sherloc (09022015). Collection method: clinical testing. Allele origin: germline.
Comment: In summary, the available evidence is currently insufficient to determine the role of this variant in disease. Therefore, it has been classified as a Variant of Uncertain Significance. Advanced modeling of protein sequence and biophysical properties (such as structural, functional, and spatial information, amino acid conservation, physicochemical variation, residue mobility, and thermodynamic stability) performed at Invitae indicates that this missense variant is expected to disrupt RB1 protein function. ClinVar contains an entry for this variant (Variation ID: 838203). This variant has not been reported in the literature in individuals affected with RB1-related conditions. This variant is not present in population databases (gnomAD no frequency). This sequence change replaces isoleucine, which is neutral and non-polar, with methionine, which is neutral and non-polar, at codon 536 of the RB1 protein (p.Ile536Met).

NM_000321.3(RB1):c.1608C>G (p.Ile536Met)

Gene: RB1 (RB transcriptional corepressor 1; plus strand). Cytogenetic location: 13q14.2.
Variant type: single nucleotide variant.
Coding change: c.1608C>G on transcript NM_000321.3 (MANE Select); coding-DNA position 1608, C replaced by G.
Protein change: p.Ile536Met; replaces isoleucine 536 with methionine.
Molecular consequence: missense variant.
Genome position (GRCh38, 1-based): chr13:48,381,356, C>G. VCF-style: chr13-48381356-C-G. GRCh37 (hg19) VCF-style: chr13-48955492-C-G.
Other names: short protein forms I536M.
Identifiers: ClinVar variation 838203 (VCV000838203.9), dbSNP rs1948534275, ClinGen allele CA388163744.